The following is an entry in ClinVar:

ClinVar aggregate classification (germline): Uncertain significance. Review status: criteria provided, multiple submitters, no conflicts (2 of 4 stars). 3 submissions from 3 submitters: Uncertain significance (3). Last evaluated 2025-06-06.

Allele frequency attached by ClinVar (database versions not stated): gnomAD exomes 0.00001 and 0.00002; gnomAD 0.00001; TOPMed below 0.00001.

Submissions (3):

Ambry Genetics
Classification: Uncertain significance. Last evaluated: 2025-06-06. Review status: criteria provided, single submitter. Criteria: Ambry Variant Classification Scheme 2023. Collection method: clinical testing. Allele origin: germline.

Labcorp Genetics (formerly Invitae), Labcorp
Classification: Uncertain significance. Last evaluated: 2024-01-25. Review status: criteria provided, single submitter. Criteria: Invitae Variant Classification Sherloc (09022015). Collection method: clinical testing. Allele origin: germline.
Comment: This sequence change replaces methionine, which is neutral and non-polar, with valine, which is neutral and non-polar, at codon 1415 of the NEXMIF protein (p.Met1415Val). This variant is present in population databases (rs797045648, gnomAD 0.001%), including at least one homozygous and/or hemizygous individual. This variant has not been reported in the literature in individuals affected with NEXMIF-related conditions. ClinVar contains an entry for this variant (Variation ID: 211268). Algorithms developed to predict the effect of missense changes on protein structure and function output the following: SIFT: "Not Available"; PolyPhen-2: "Benign"; Align-GVGD: "Not Available". The valine amino acid residue is found in multiple mammalian species, which suggests that this missense change does not adversely affect protein function. In summary, the available evidence is currently insufficient to determine the role of this variant in disease. Therefore, it has been classified as a Variant of Uncertain Significance.

Genetic Services Laboratory, University of Chicago
Classification: Uncertain significance. Last evaluated: 2015-07-17. Review status: criteria provided, single submitter. Criteria: ACMG Guidelines, 2015. Collection method: clinical testing. Allele origin: germline.

NM_001008537.3(NEXMIF):c.4243A>G (p.Met1415Val)

Gene: NEXMIF (neurite extension and migration factor; minus strand). Cytogenetic location: Xq13.3.
Variant type: single nucleotide variant.
Coding change: c.4243A>G on transcript NM_001008537.3 (MANE Select); coding-DNA position 4243, A replaced by G.
Protein change: p.Met1415Val; replaces methionine 1415 with valine.
Molecular consequence: missense variant.
Genome position (GRCh38, 1-based): chrX:74,740,314, T>C on the plus strand (A>G on the coding strand, the complement: NEXMIF is on the minus strand). VCF-style: chrX-74740314-T-C. GRCh37 (hg19) VCF-style: chrX-73960149-T-C.
Other names: short protein forms M1415V.
Identifiers: ClinVar variation 211268 (VCV000211268.17), dbSNP rs797045648, ClinGen allele CA205712.